The following is an entry in ClinVar:

ClinVar aggregate classification (germline): Likely pathogenic (1 of 4 stars; one submission).

Submission:

GeneDx
Classification: Likely pathogenic. Last evaluated: 2026-04-04. Review status: criteria provided, single submitter. Criteria: GeneDx Variant Classification Process June 2021. Collection method: clinical testing. Allele origin: germline.
Comment: Frameshift variant predicted to result in protein truncation or nonsense mediated decay in a gene for which loss of function is a known mechanism of disease; Not observed at significant frequency in large population cohorts (gnomAD); Has not been previously published as pathogenic or benign to our knowledge

NM_024339.5(THOC6):c.437del (p.Gly146fs)

Gene: THOC6 (THO complex subunit 6; plus strand). Cytogenetic location: 16p13.3.
Variant type: Deletion.
Coding change: c.437del on transcript NM_024339.5 (MANE Select); coding-DNA position 437, one base deleted (G; older notation c.437delG).
Protein change: p.Gly146fs; shifts the reading frame from glycine 146.
Molecular consequence: frameshift variant.
Genome position (GRCh38, 1-based): chr16:3,026,541, G deleted; the last of 5 consecutive G bases (chr16:3,026,537-3,026,541); deleting any one gives the same sequence. VCF-style (leftmost placement, unchanged base first): chr16-3026536-TG-T. GRCh37 (hg19) VCF-style: chr16-3076537-TG-T.
Other names: c.437del, p.Gly146fs (NM_001347704.2, NM_001142350.3); c.365del, p.Gly122fs (NM_001347703.2); short protein forms G122fs, G146fs.
Identifiers: ClinVar variation 5018234 (VCV005018234.1).